The following is an entry in ClinVar:

ClinVar aggregate classification (germline): Likely pathogenic (1 of 4 stars; one submission).

Conditions:
Autosomal recessive limb-girdle muscular dystrophy type 2D (LGMDR3). Also called: ADHALINOPATHY, PRIMARY; DUCHENNE-LIKE AUTOSOMAL RECESSIVE MUSCULAR DYSTROPHY, TYPE 2; MUSCULAR DYSTROPHY, LIMB-GIRDLE, AUTOSOMAL RECESSIVE 3. Identifiers: Orphanet 62, MedGen C2936332, MONDO:0011968, OMIM 608099. Disease mechanism: Affects gamma-sarcoglycan and also disrupts the integrity of the entire sarcoglycan complex..

Submission:

Natera, Inc.
Classification: Likely pathogenic for Limb-girdle muscular dystrophy type 2D. Last evaluated: 2025-05-23. Review status: criteria provided, single submitter. Criteria: Natera Variant Classification Schema (03/2026). Collection method: clinical testing. Allele origin: germline.
Comment: The c.29_30delTC variant in SGCA is a frameshift variant predicted to shift the reading frame beginning at codon 10 and leads to a stop codon 33 codons downstream. This variant is expected to result in nonsense mediated decay, truncation, or a dysfunctional protein product. This variant is rare in the general population with a frequency below the threshold expected for the associated phenotype(s). Given the available evidence, this variant is classified as Likely Pathogenic.

NM_000023.4(SGCA):c.29_30del (p.Leu10fs)

Gene: SGCA (sarcoglycan alpha; plus strand). Cytogenetic location: 17q21.33.
Variant type: Microsatellite.
Coding change: c.29_30del on transcript NM_000023.4 (MANE Select); coding-DNA positions 29 to 30, 2 bases deleted (TC; older notation c.29_30delTC).
Protein change: p.Leu10fs; shifts the reading frame from leucine 10.
Molecular consequence: frameshift variant. On other transcripts: non-coding transcript variant (1).
Genome position (GRCh38, 1-based): chr17:50,166,069-50,166,070, TC deleted; deleting any 2 consecutive bases within chr17:50,166,066-50,166,070 gives the same sequence; the c. name uses the placement nearest the transcript's 3' end. VCF-style (leftmost placement, unchanged base first): chr17-50166065-CCT-C. GRCh37 (hg19) VCF-style: chr17-48243426-CCT-C.
Other names: c.29_30del, p.Leu10fs (NM_001135697.3); short protein forms L10fs.
Identifiers: ClinVar variation 4817840 (VCV004817840.1).